The following is an entry in ClinVar:

ClinVar aggregate classification (germline): Pathogenic. Review status: criteria provided, multiple submitters, no conflicts (2 of 4 stars). 6 submissions from 6 submitters: Pathogenic (4). 2 of the submissions do not count toward it. Last evaluated 2024-05-09.

Conditions:
Episodic ataxia type 1 (EA1). Also called: Episodic ataxia/myokymia syndrome; PAROXYSMAL ATAXIA WITH NEUROMYOTONIA, HEREDITARY; ATAXIA, EPISODIC, WITH MYOKYMIA; MYOKYMIA WITH PERIODIC ATAXIA. Identifiers: Orphanet 37612, Orphanet 972, MedGen C1719788, MONDO:0008047, OMIM 160120.

Submissions (6):

Mayo Clinic Laboratories, Mayo Clinic
Classification: Pathogenic. Last evaluated: 2024-05-09. Review status: criteria provided, single submitter. Criteria: ACMG Guidelines, 2015. Collection method: clinical testing. Allele origin: germline. Observed: 1 variant allele.
Comment: PP3, PM1, PM2, PM6, PS3, PS4

GeneDx
Classification: Pathogenic. Last evaluated: 2023-12-11. Review status: criteria provided, single submitter. Criteria: GeneDx Variant Classification Process June 2021. Collection method: clinical testing. Allele origin: germline. Affected: yes.
Comment: Functional studies indicated that T226R results in a decrease in voltage activated current and cause a dominant negative effect on potassium channel function (PMID: 10355668, 10414318); Not observed at significant frequency in large population cohorts (gnomAD); In silico analysis supports that this missense variant has a deleterious effect on protein structure/function; This variant is associated with the following publications: (PMID: 17395136, 11773313, 10414318, 19779067, 11026449, 15351427, 10355668, 26395884)

Rady Children's Institute for Genomic Medicine, Rady Children's Hospital San Diego
Classification: Pathogenic for Episodic ataxia/myokymia syndrome. Last evaluated: 2020-06-22. Review status: criteria provided, single submitter. Criteria: ACMG Guidelines, 2015. Collection method: clinical testing. Allele origin: germline. Affected: yes.
Comment: This variant has been previously reported in patients with episodic ataxia and myokymia as a de novo heterozygous change (PMID: 26395884), and as inherited in cases with multiple similarly affected family members (PMID: 10355668, 10414318, 19779067). The clinical presentations of individuals with the p.Thr226Arg is highly variable and has included complex partial epilepsy and apneic events in infancy (PMID: 10355668). Functional studies suggest the p.Thr226Arg exerts a dominant negative effect on potassium channel function and may impair neuronal repolarization (PMID: 10355668, 10414318, 11773313). An in-vitro study of this variant in rat neurons detected no effect on neuronal excitability; however, it identified increased neurotransmitter release (PMID: 19779067). Other pathogenic variants have been observed at this amino acid residue including p.Thr226Met (PMID: 8871592) and p.Thr226Lys (PMID: 17136396, 22965560). The c.677C>G (p.Thr226Arg) variant is absent from the gnomAD population database and thus is presumed to be rare. The c.677C>G (p.Thr226Arg) variant affects a highly conserved amino acid and is predicted by multiple in silico tools to have a deleterious effect on protein function. Analysis of the parental samples was negative for the variant, indicating this variant likely occurred as a de novo event. Based on the available evidence, the c.677C>G (p.Thr226Arg) variant is classified as Pathogenic.

Clinical Genetics Service, Universitary Hospital 12 de Octubre
Classification: Pathogenic for Episodic ataxia type 1. Review status: criteria provided, single submitter. Criteria: ACMG Guidelines, 2015. Collection method: clinical testing. Allele origin: germline. Affected: yes.

OMIM
Classification: Pathogenic for EPISODIC ATAXIA, TYPE 1. Last evaluated: 1999-05-01. Review status: no assertion criteria provided. Collection method: literature only. Allele origin: germline. Not counted in ClinVar's aggregate classification.

GeneReviews
No classification provided. Condition: Episodic ataxia type 1. Review status: no classification provided. Collection method: literature only. Allele origin: unknown. Not counted in ClinVar's aggregate classification.

Literature cited by the submitters: PubMed 10355668 (cited by Mayo Clinic Laboratories, Mayo Clinic and OMIM); PubMed 10414318 (cited by Mayo Clinic Laboratories, Mayo Clinic); PubMed 15351427 (cited by Mayo Clinic Laboratories, Mayo Clinic); PubMed 19779067 (cited by Mayo Clinic Laboratories, Mayo Clinic); PubMed 26395884 (cited by Mayo Clinic Laboratories, Mayo Clinic); PubMed 20301785 (cited by GeneReviews); NCBI Bookshelf NBK25442 (cited by GeneReviews).

NM_000217.3(KCNA1):c.677C>G (p.Thr226Arg)

Gene: KCNA1 (potassium voltage-gated channel subfamily A member 1; plus strand). Cytogenetic location: 12p13.32.
Variant type: single nucleotide variant.
Coding change: c.677C>G on transcript NM_000217.3 (MANE Select); coding-DNA position 677, C replaced by G.
Protein change: p.Thr226Arg; replaces threonine 226 with arginine.
Molecular consequence: missense variant.
Genome position (GRCh38, 1-based): chr12:4,912,055, C>G. VCF-style: chr12-4912055-C-G. GRCh37 (hg19) VCF-style: chr12-5021221-C-G.
Other names: short protein forms T226R.
Identifiers: ClinVar variation 13492 (VCV000013492.9), dbSNP rs28933383, ClinGen allele CA341290.